The following is an entry in ClinVar:

ClinVar aggregate classification (germline): Uncertain significance (1 of 4 stars; one submission).

Conditions:
Hereditary cancer-predisposing syndrome. Also called: Neoplastic Syndromes, Hereditary; Tumor predisposition; Hereditary neoplastic syndrome; Hereditary Cancer Syndrome. Identifiers: Orphanet 140162, MedGen C0027672, MeSH D009386, MONDO:0015356.
Cardiovascular phenotype. Identifiers: MedGen CN230736.

gnomAD v4.1: 1 of 1,614,116 alleles (0.000062%); highest among the groups gnomAD compares: Non-Finnish European, 0.000085%; no homozygotes.

Submission:

Ambry Genetics
Classification: Uncertain significance for Cardiovascular phenotype; Hereditary cancer-predisposing syndrome. Last evaluated: 2023-08-25. Review status: criteria provided, single submitter. Criteria: Ambry Variant Classification Scheme 2023. Collection method: clinical testing. Allele origin: germline.
Comment: The p.L2749P variant (also known as c.8246T>C), located in coding exon 56 of the NF1 gene, results from a T to C substitution at nucleotide position 8246. The leucine at codon 2749 is replaced by proline, an amino acid with similar properties. This amino acid position is conserved. In addition, the in silico prediction for this alteration is inconclusive. Since supporting evidence is limited at this time, the clinical significance of this alteration remains unclear.

NM_001042492.3(NF1):c.8309T>C (p.Leu2770Pro)

Gene: NF1 (neurofibromin 1; plus strand). Cytogenetic location: 17q11.2.
Variant type: single nucleotide variant.
Coding change: c.8309T>C on transcript NM_001042492.3 (MANE Select); coding-DNA position 8309, T replaced by C.
Protein change: p.Leu2770Pro; replaces leucine 2770 with proline.
Molecular consequence: missense variant.
Genome position (GRCh38, 1-based): chr17:31,360,635, T>C. VCF-style: chr17-31360635-T-C. GRCh37 (hg19) VCF-style: chr17-29687653-T-C.
Other names: c.8246T>C, p.Leu2749Pro (NM_000267.4); short protein forms L2749P, L2770P.
Identifiers: ClinVar variation 3237980 (VCV003237980.1), dbSNP rs2151588101.